The following is an entry in ClinVar:

NM_004329.3(BMPR1A):c.104T>G (p.Met35Arg)

Gene: BMPR1A (bone morphogenetic protein receptor type 1A; plus strand). Cytogenetic location: 10q23.2.
Variant type: single nucleotide variant.
Coding change: c.104T>G on transcript NM_004329.3 (MANE Select); coding-DNA position 104, T replaced by G.
Protein change: p.Met35Arg; replaces methionine 35 with arginine.
Molecular consequence: missense variant.
Genome position (GRCh38, 1-based): chr10:86,890,098, T>G. VCF-style: chr10-86890098-T-G. GRCh37 (hg19) VCF-style: chr10-88649855-T-G.
Other names: c.104T>G, p.Met35Arg (NM_001406559.1, NM_001406560.1, NM_001406561.1 and 23 more transcripts); c.20T>G, p.Met7Arg (NM_001406584.1, NM_001406585.1, NM_001406586.1 and 2 more transcripts); short protein forms M35R, M7R.
Identifiers: ClinVar variation 2068506 (VCV002068506.4), dbSNP rs2133394661, ClinGen allele CA377446393.

ClinVar aggregate classification (germline): Uncertain significance (1 of 4 stars; one submission).

Conditions:
Juvenile polyposis syndrome (JPS). Identifiers: Orphanet 2929, MedGen C0345893, MONDO:0017380, OMIM 174900.

Submission:

Labcorp Genetics (formerly Invitae), Labcorp
Classification: Uncertain significance for Juvenile polyposis syndrome. Last evaluated: 2022-04-19. Review status: criteria provided, single submitter. Criteria: Invitae Variant Classification Sherloc (09022015). Collection method: clinical testing. Allele origin: germline.
Comment: This sequence change replaces methionine, which is neutral and non-polar, with arginine, which is basic and polar, at codon 35 of the BMPR1A protein (p.Met35Arg). In summary, the available evidence is currently insufficient to determine the role of this variant in disease. Therefore, it has been classified as a Variant of Uncertain Significance. Advanced modeling of protein sequence and biophysical properties (such as structural, functional, and spatial information, amino acid conservation, physicochemical variation, residue mobility, and thermodynamic stability) performed at Invitae indicates that this missense variant is not expected to disrupt BMPR1A protein function. This variant has not been reported in the literature in individuals affected with BMPR1A-related conditions. This variant is not present in population databases (gnomAD no frequency).